The following is an entry in ClinVar:

ClinVar aggregate classification (germline): Uncertain significance. Review status: criteria provided, multiple submitters, no conflicts (2 of 4 stars). 2 submissions from 2 submitters: Uncertain significance (2). Last evaluated 2024-10-21.

Conditions:
Inborn genetic diseases. Identifiers: MedGen C0950123, MeSH D030342.

gnomAD v4.1: 2 of 1,588,506 alleles (0.00013%); no homozygotes.

Submissions (2):

Labcorp Genetics (formerly Invitae), Labcorp
Classification: Uncertain significance. Last evaluated: 2024-10-21. Review status: criteria provided, single submitter. Criteria: Invitae Variant Classification Sherloc (09022015). Collection method: clinical testing. Allele origin: germline.
Comment: This sequence change replaces glycine, which is neutral and non-polar, with serine, which is neutral and polar, at codon 538 of the RIPK1 protein (p.Gly538Ser). This variant is not present in population databases (gnomAD no frequency). This variant has not been reported in the literature in individuals affected with RIPK1-related conditions. ClinVar contains an entry for this variant (Variation ID: 2176275). An algorithm developed to predict the effect of missense changes on protein structure and function (PolyPhen-2) suggests that this variant is likely to be disruptive. In summary, the available evidence is currently insufficient to determine the role of this variant in disease. Therefore, it has been classified as a Variant of Uncertain Significance.

Ambry Genetics
Classification: Uncertain significance for Inborn genetic diseases. Last evaluated: 2024-10-11. Review status: criteria provided, single submitter. Criteria: Ambry Variant Classification Scheme 2023. Collection method: clinical testing. Allele origin: germline.

NM_001354930.2(RIPK1):c.1612G>A (p.Gly538Ser)

Gene: RIPK1 (receptor interacting serine/threonine kinase 1; plus strand). Cytogenetic location: 6p25.2.
Variant type: single nucleotide variant.
Coding change: c.1612G>A on transcript NM_001354930.2 (MANE Select); coding-DNA position 1612, G replaced by A.
Protein change: p.Gly538Ser; replaces glycine 538 with serine.
Molecular consequence: missense variant.
Genome position (GRCh38, 1-based): chr6:3,110,838, G>A. VCF-style: chr6-3110838-G-A. GRCh37 (hg19) VCF-style: chr6-3111072-G-A.
Other names: c.1612G>A (NM_003804.3); c.1123G>A, p.Gly375Ser (NM_001317061.3, NM_001354932.2, NM_001354933.2 and 1 more transcripts); c.1474G>A, p.Gly492Ser (NM_001354931.2); c.1612G>A, p.Gly538Ser (NM_003804.6); short protein forms G375S, G538S, G492S.
Identifiers: ClinVar variation 2176275 (VCV002176275.5), dbSNP rs1761118509, ClinGen allele CA362576201.
Genomic context (GRCh38, chr6:3,110,838, plus strand): 5'-TACCTGTGTGTTTCTCTCTATGCAGATGAATCTATAAAATATACCATATACAATAGTACT[G>A]GCATTCAGATTGGAGCCTACAATTATATGGAGATTGGTGGGACGAGTTCATCACTACTAG-3'
Protein context (NP_001341859.1, residues 528-548): SIKYTIYNST[Gly538Ser]IQIGAYNYME